The following is an entry in ClinVar:

ClinVar aggregate classification (germline): Uncertain significance (1 of 4 stars; one submission).

gnomAD v4.1: 9 of 1,612,344 alleles (0.00056%); highest among the groups gnomAD compares: Admixed American, 0.0017%; no homozygotes.

Submission:

Labcorp Genetics (formerly Invitae), Labcorp
Classification: Uncertain significance. Last evaluated: 2025-04-13. Review status: criteria provided, single submitter. Criteria: Invitae Variant Classification Sherloc (09022015). Collection method: clinical testing. Allele origin: germline.
Comment: This sequence change replaces alanine, which is neutral and non-polar, with threonine, which is neutral and polar, at codon 447 of the ANKH protein (p.Ala447Thr). This variant is present in population databases (rs748631663, gnomAD 0.003%). This variant has not been reported in the literature in individuals affected with ANKH-related conditions. ClinVar contains an entry for this variant (Variation ID: 3668415). Invitae Evidence Modeling of protein sequence and biophysical properties (such as structural, functional, and spatial information, amino acid conservation, physicochemical variation, residue mobility, and thermodynamic stability) indicates that this missense variant is not expected to disrupt ANKH protein function with a negative predictive value of 80%. In summary, the available evidence is currently insufficient to determine the role of this variant in disease. Therefore, it has been classified as a Variant of Uncertain Significance.

NM_054027.6(ANKH):c.1339G>A (p.Ala447Thr)

Genes: ANKH (ANKH inorganic pyrophosphate transport regulator; minus strand), OTULIN (OTU deubiquitinase with linear linkage specificity; plus strand), LOC100130744 (uncharacterized LOC100130744; plus strand). Cytogenetic location: 5p15.2.
Variant type: single nucleotide variant.
Coding change: c.1339G>A on transcript NM_054027.6 (MANE Select); coding-DNA position 1339, G replaced by A.
Protein change: p.Ala447Thr; replaces alanine 447 with threonine.
Molecular consequence: missense variant. On other transcripts: non-coding transcript variant (1).
Genome position (GRCh38, 1-based): chr5:14,712,900, C>T on the plus strand (G>A on the coding strand, the complement: ANKH is on the minus strand). VCF-style: chr5-14712900-C-T. GRCh37 (hg19) VCF-style: chr5-14713009-C-T.
Other names: short protein forms A447T.
Identifiers: ClinVar variation 3668415 (VCV003668415.2).